The following is an entry in ClinVar:

ClinVar aggregate classification (germline): Uncertain significance. Review status: criteria provided, multiple submitters, no conflicts (2 of 4 stars). 2 submissions from 2 submitters: Uncertain significance (2). Last evaluated 2025-08-06.

Conditions:
Inborn genetic diseases. Identifiers: MedGen C0950123, MeSH D030342.
Cranioectodermal dysplasia 1 (CED1). Also called: LEVIN SYNDROME I. Identifiers: Orphanet 1515, MedGen C0432235, MONDO:0021093, OMIM 218330.

Allele frequency attached by ClinVar (database versions not stated): gnomAD 0.00003; gnomAD exomes 0.00005; ExAC 0.00008; TOPMed 0.00009; 1000 Genomes Project 0.00040; 1000 Genomes Project 30x 0.00047.

Submissions (2):

Ambry Genetics
Classification: Uncertain significance for Inborn genetic diseases. Last evaluated: 2025-08-06. Review status: criteria provided, single submitter. Criteria: Ambry Variant Classification Scheme 2023. Collection method: clinical testing. Allele origin: germline.

Labcorp Genetics (formerly Invitae), Labcorp
Classification: Uncertain significance for Cranioectodermal dysplasia 1. Last evaluated: 2022-07-27. Review status: criteria provided, single submitter. Criteria: Invitae Variant Classification Sherloc (09022015). Collection method: clinical testing. Allele origin: germline.
Comment: This sequence change replaces arginine, which is basic and polar, with cysteine, which is neutral and slightly polar, at codon 569 of the IFT122 protein (p.Arg569Cys). This variant is present in population databases (rs575214156, gnomAD 0.07%). This variant has not been reported in the literature in individuals affected with IFT122-related conditions. Algorithms developed to predict the effect of missense changes on protein structure and function (SIFT, PolyPhen-2, Align-GVGD) all suggest that this variant is likely to be disruptive. In summary, the available evidence is currently insufficient to determine the role of this variant in disease. Therefore, it has been classified as a Variant of Uncertain Significance.

NM_052989.3(IFT122):c.1552C>T (p.Arg518Cys)

Gene: IFT122 (intraflagellar transport 122; plus strand). Cytogenetic location: 3q21.3.
Variant type: single nucleotide variant.
Coding change: c.1552C>T on transcript NM_052989.3 (MANE Select); coding-DNA position 1552, C replaced by T.
Protein change: p.Arg518Cys; replaces arginine 518 with cysteine.
Molecular consequence: missense variant.
Genome position (GRCh38, 1-based): chr3:129,481,593, C>T. VCF-style: chr3-129481593-C-T. GRCh37 (hg19) VCF-style: chr3-129200436-C-T.
Other names: c.1528C>T, p.Arg510Cys (NM_001280541.2); c.1102C>T, p.Arg368Cys (NM_001280545.2); c.925C>T, p.Arg309Cys (NM_001280546.2); c.1552C>T, p.Arg518Cys (NM_001410808.1, NM_001410809.1); c.1375C>T, p.Arg459Cys (NM_001410810.1, NM_001410811.1, NM_001410813.1 and 1 more transcripts); c.1219C>T, p.Arg407Cys (NM_001410815.1, NM_001410817.1, NM_052990.3); c.1705C>T, p.Arg569Cys (NM_052985.4); c.1705C>T (NM_052985.2); short protein forms R368C, R569C, R309C, R407C, R459C, R518C, R510C.
Identifiers: ClinVar variation 1959842 (VCV001959842.3), dbSNP rs575214156, ClinGen allele CA2606217.
Genomic context (GRCh38, chr3:129,481,593, plus strand): 5'-CTGAAGATCTTCGTGGACAATCTCTTTGCTATCGTCCTGCTGAAGCAGGCCACAGCTGTG[C>T]GCTGCTTGGACATGAGTGCCTCCCGTAAGAAGCTGGCCGTGGTAGATGAAAATGACACTT-3'
Protein context (NP_443715.1, residues 508-528): IVLLKQATAV[Arg518Cys]CLDMSASRKK